The following is an entry in ClinVar:

ClinVar aggregate classification (germline): Uncertain significance (1 of 4 stars; one submission).

Conditions:
Short-rib thoracic dysplasia 6 with or without polydactyly (SRTD6). Also called: Majewski Syndrome; POLYDACTYLY WITH NEONATAL CHONDRODYSTROPHY, TYPE II; SHORT-RIB THORACIC DYSPLASIA 6 WITH POLYDACTYLY; SHORT-RIB THORACIC DYSPLASIA 6 WITHOUT POLYDACTYLY; SHORT RIB-POLYDACTYLY SYNDROME, TYPE IIA. Identifiers: MedGen C0024507, MONDO:0009894, OMIM 263520.

gnomAD v4.1: 30 of 1,606,972 alleles (0.0019%); highest among the groups gnomAD compares: East Asian, 0.051%; no homozygotes.

Submission:

Labcorp Genetics (formerly Invitae), Labcorp
Classification: Uncertain significance for Short-rib thoracic dysplasia 6 with or without polydactyly. Last evaluated: 2025-10-05. Review status: criteria provided, single submitter. Criteria: Invitae Variant Classification Sherloc (09022015). Collection method: clinical testing. Allele origin: germline.
Comment: This sequence change replaces isoleucine, which is neutral and non-polar, with threonine, which is neutral and polar, at codon 865 of the NEK1 protein (p.Ile865Thr). This variant is present in population databases (rs561441237, gnomAD 0.1%). This missense change has been observed in individual(s) with amyotrophic lateral sclerosis (PMID: 37952009). Invitae Evidence Modeling of protein sequence and biophysical properties (such as structural, functional, and spatial information, amino acid conservation, physicochemical variation, residue mobility, and thermodynamic stability) indicates that this missense variant is not expected to disrupt NEK1 protein function with a negative predictive value of 80%. In summary, the available evidence is currently insufficient to determine the role of this variant in disease. Therefore, it has been classified as a Variant of Uncertain Significance.

Literature cited by the submitters: PubMed 37952009.

NM_001199397.3(NEK1):c.2678T>C (p.Ile893Thr)

Genes: NEK1 (NIMA related kinase 1; minus strand), LOC129993365 (ATAC-STARR-seq lymphoblastoid silent region 15794; plus strand). Cytogenetic location: 4q33.
Variant type: single nucleotide variant.
Coding change: c.2678T>C on transcript NM_001199397.3 (MANE Select); coding-DNA position 2678, T replaced by C.
Protein change: p.Ile893Thr; replaces isoleucine 893 with threonine.
Molecular consequence: missense variant. On other transcripts: non-coding transcript variant (1), intron variant (5).
Genome position (GRCh38, 1-based): chr4:169,438,169, A>G on the plus strand (T>C on the coding strand, the complement: NEK1 is on the minus strand). VCF-style: chr4-169438169-A-G. GRCh37 (hg19) VCF-style: chr4-170359320-A-G.
Other names: c.2546T>C, p.Ile849Thr (NM_001199398.3); c.2387T>C, p.Ile796Thr (NM_001199399.3); c.2462T>C, p.Ile821Thr (NM_001199400.3); c.2678T>C, p.Ile893Thr (NM_001374418.1); c.2594T>C, p.Ile865Thr (NM_001374419.1, NM_012224.4); c.2543T>C, p.Ile848Thr (NM_001374420.1); c.1973T>C, p.Ile658Thr (NM_001440624.1); c.1841T>C, p.Ile614Thr (NM_001440625.1); and 5 more; short protein forms I848T, I849T, I658T, I865T, I893T, I614T, I796T, I821T.
Identifiers: ClinVar variation 4706196 (VCV004706196.1).